The following is an entry in ClinVar:

ClinVar aggregate classification (germline): Uncertain significance (1 of 4 stars; one submission).

Conditions:
Hereditary cancer-predisposing syndrome. Also called: Neoplastic Syndromes, Hereditary; Tumor predisposition; Hereditary Cancer Syndrome; Hereditary neoplastic syndrome. Identifiers: Orphanet 140162, MedGen C0027672, MeSH D009386, MONDO:0015356.

Submission:

Ambry Genetics
Classification: Uncertain significance for Hereditary cancer-predisposing syndrome. Last evaluated: 2026-04-28. Review status: criteria provided, single submitter. Criteria: Ambry Variant Classification Scheme 2023. Collection method: clinical testing. Allele origin: germline.
Comment: The p.P767A variant (also known as c.2299C>G), located in coding exon 14 of the DICER1 gene, results from a C to G substitution at nucleotide position 2299. The proline at codon 767 is replaced by alanine, an amino acid with highly similar properties. This amino acid position is conserved. In addition, the in silico prediction for this alteration is inconclusive. Based on the available evidence, the clinical significance of this variant remains unclear.

NM_177438.3(DICER1):c.2299C>G (p.Pro767Ala)

Gene: DICER1 (dicer 1, ribonuclease III; minus strand). Cytogenetic location: 14q32.13.
Variant type: single nucleotide variant.
Coding change: c.2299C>G on transcript NM_177438.3 (MANE Select); coding-DNA position 2299, C replaced by G.
Protein change: p.Pro767Ala; replaces proline 767 with alanine.
Molecular consequence: missense variant. On other transcripts: non-coding transcript variant (6).
Genome position (GRCh38, 1-based): chr14:95,108,461, G>C on the plus strand (C>G on the coding strand, the complement: DICER1 is on the minus strand). VCF-style: chr14-95108461-G-C. GRCh37 (hg19) VCF-style: chr14-95574798-G-C.
Other names: c.2299C>G, p.Pro767Ala (NM_001195573.1, NM_001271282.3, NM_001291628.2 and 12 more transcripts); c.2017C>G, p.Pro673Ala (NM_001395686.1); c.1894C>G, p.Pro632Ala (NM_001395687.1, NM_001395688.1, NM_001395689.1 and 2 more transcripts); c.1732C>G, p.Pro578Ala (NM_001395691.1); c.616C>G, p.Pro206Ala (NM_001395697.1); short protein forms P206A, P578A, P632A, P673A, P767A.
Identifiers: ClinVar variation 4869777 (VCV004869777.1).